The following is an entry in ClinVar:

ClinVar aggregate classification (germline): Uncertain significance (1 of 4 stars; one submission).

Conditions:
Inborn genetic diseases. Identifiers: MedGen C0950123, MeSH D030342.

gnomAD v4.1: 4 of 1,487,592 alleles (0.00027%); highest among the groups gnomAD compares: South Asian, 0.0026%; no homozygotes.

Submission:

Ambry Genetics
Classification: Uncertain significance for Inborn genetic diseases. Last evaluated: 2024-11-10. Review status: criteria provided, single submitter. Criteria: Ambry Variant Classification Scheme 2023. Collection method: clinical testing. Allele origin: germline.
Comment: The p.P20L variant (also known as c.59C>T), located in coding exon 1 of the SMAD6 gene, results from a C to T substitution at nucleotide position 59. The proline at codon 20 is replaced by leucine, an amino acid with similar properties. This amino acid position is conserved. In addition, this alteration is predicted to be tolerated by in silico analysis. Based on the available evidence, the clinical significance of this variant remains unclear.

NM_005585.5(SMAD6):c.59C>T (p.Pro20Leu)

Gene: SMAD6 (SMAD family member 6; plus strand). Cytogenetic location: 15q22.31.
Variant type: single nucleotide variant.
Coding change: c.59C>T on transcript NM_005585.5 (MANE Select); coding-DNA position 59, C replaced by T.
Protein change: p.Pro20Leu; replaces proline 20 with leucine.
Molecular consequence: missense variant. On other transcripts: non-coding transcript variant (1).
Genome position (GRCh38, 1-based): chr15:66,703,317, C>T. VCF-style: chr15-66703317-C-T. GRCh37 (hg19) VCF-style: chr15-66995655-C-T.
Other names: short protein forms P20L.
Identifiers: ClinVar variation 3445904 (VCV003445904.1).
Genomic context (GRCh38, chr15:66,703,317, plus strand): 5'-GTATGTTCAGGTCCAAACGCTCGGGGCTGGTGCGGCGACTTTGGCGAAGTCGTGTGGTCC[C>T]CGACCGGGAGGAAGGCGGCAGCGGCGGCGGCGGTGGCGGCGACGAGGATGGGAGCTTGGG-3'
Protein context (NP_005576.3, residues 10-30): VRRLWRSRVV[Pro20Leu]DREEGGSGGG